The following is an entry in ClinVar:

ClinVar aggregate classification (germline): Uncertain significance (1 of 4 stars; one submission).

Submission:

Labcorp Genetics (formerly Invitae), Labcorp
Classification: Uncertain significance. Last evaluated: 2022-06-27. Review status: criteria provided, single submitter. Criteria: Invitae Variant Classification Sherloc (09022015). Collection method: clinical testing. Allele origin: germline.
Comment: This variant has not been reported in the literature in individuals affected with ACBD5-related conditions. In summary, the available evidence is currently insufficient to determine the role of this variant in disease. Therefore, it has been classified as a Variant of Uncertain Significance. Algorithms developed to predict the effect of missense changes on protein structure and function are either unavailable or do not agree on the potential impact of this missense change (SIFT: "Deleterious"; PolyPhen-2: "Probably Damaging"; Align-GVGD: "Class C0"). This variant is not present in population databases (gnomAD no frequency). This sequence change replaces serine, which is neutral and polar, with phenylalanine, which is neutral and non-polar, at codon 171 of the ACBD5 protein (p.Ser171Phe).

NM_145698.5(ACBD5):c.512C>T (p.Ser171Phe)

Gene: ACBD5 (acyl-CoA binding domain containing 5; minus strand). Cytogenetic location: 10p12.1.
Variant type: single nucleotide variant.
Coding change: c.512C>T on transcript NM_145698.5 (MANE Select); coding-DNA position 512, C replaced by T.
Protein change: p.Ser171Phe; replaces serine 171 with phenylalanine.
Molecular consequence: missense variant. On other transcripts: intron variant (2).
Genome position (GRCh38, 1-based): chr10:27,219,836, G>A on the plus strand (C>T on the coding strand, the complement: ACBD5 is on the minus strand). VCF-style: chr10-27219836-G-A. GRCh37 (hg19) VCF-style: chr10-27508765-G-A.
Other names: c.407C>T, p.Ser136Phe (NM_001042473.4, NM_001352577.2, NM_001352578.2 and 2 more transcripts); c.506C>T, p.Ser169Phe (NM_001271512.3, NM_001352587.1); c.185C>T, p.Ser62Phe (NM_001301251.2, NM_001301252.2, NM_001301253.2 and 3 more transcripts); c.566C>T, p.Ser189Phe (NM_001352568.1); c.545C>T, p.Ser182Phe (NM_001352569.1, NM_001352581.1); c.512C>T, p.Ser171Phe (NM_001352570.1, NM_001352588.1); c.539C>T, p.Ser180Phe (NM_001352571.1, NM_001352586.1); c.533C>T, p.Ser178Phe (NM_001352572.1); and 4 more; short protein forms S171F, S147F, S169F, S178F, S180F, S182F, S189F, S62F.
Identifiers: ClinVar variation 1375391 (VCV001375391.5), dbSNP rs999767674, ClinGen allele CA376376232.